The following is an entry in ClinVar:

ClinVar aggregate classification (germline): Uncertain significance (1 of 4 stars; one submission).

Conditions:
Intellectual developmental disorder, autosomal dominant 52. Also called: Mental retardation, autosomal dominant 52; Intellectual disability, autosomal dominant 52. Identifiers: MedGen C4540478, MONDO:0030918, OMIM 617796.

Allele frequency attached by ClinVar (database versions not stated): ExAC 0.00001; gnomAD 0.00010 and 0.00012; gnomAD exomes 0.00001; TOPMed 0.00011.
gnomAD v4.1: 29 of 1,614,076 alleles (0.0018%); highest among the groups gnomAD compares: African/African-American, 0.033%; no homozygotes.

Submission:

Baylor Genetics
Classification: Uncertain significance for Intellectual developmental disorder, autosomal dominant 52. Last evaluated: 2018-05-25. Review status: criteria provided, single submitter. Criteria: ACMG Guidelines, 2015. Collection method: clinical testing. Allele origin: unknown. Affected: yes.
Comment: This variant was determined to be of uncertain significance according to ACMG Guidelines, 2015 [PMID:25741868].

NM_018489.3(ASH1L):c.7763A>G (p.Tyr2588Cys)

Gene: ASH1L (ASH1 like histone lysine methyltransferase; minus strand). Cytogenetic location: 1q22.
Variant type: single nucleotide variant.
Coding change: c.7763A>G on transcript NM_018489.3 (MANE Select); coding-DNA position 7763, A replaced by G.
Protein change: p.Tyr2588Cys; replaces tyrosine 2588 with cysteine.
Molecular consequence: missense variant.
Genome position (GRCh38, 1-based): chr1:155,347,696, T>C on the plus strand (A>G on the coding strand, the complement: ASH1L is on the minus strand). VCF-style: chr1-155347696-T-C. GRCh37 (hg19) VCF-style: chr1-155317487-T-C.
Other names: c.7778A>G, p.Tyr2593Cys (NM_001366177.2); short protein forms Y2593C, Y2588C.
Identifiers: ClinVar variation 1033492 (VCV001033492.1), dbSNP rs749649980, ClinGen allele CA1146051.
Genomic context (GRCh38, chr1:155,347,696, plus strand): 5'-CTTCATTTCCTGACCCTCACCATGCACTTGTCACACTGGATCATGAGACCTTCATCCTTG[T>C]AGAGGCCACAGATACAGCGAATAACATCGTCGTCCTTCTCATGCCCATTCTCCTTTTCAG-3'
Protein context (NP_060959.2, residues 2578-2598): DDVIRCICGL[Tyr2588Cys]KDEGLMIQCD